The following is an entry in ClinVar:

ClinVar aggregate classification (germline): Uncertain significance. Review status: criteria provided, multiple submitters, no conflicts (2 of 4 stars). 2 submissions from 2 submitters: Uncertain significance (2). Last evaluated 2026-02-11.

Allele frequency attached by ClinVar (database versions not stated): gnomAD exomes 0.00002; TOPMed 0.00002; ExAC 0.00002; gnomAD 0.00003 and 0.00004.
gnomAD v4.1: 36 of 1,614,102 alleles (0.0022%); highest among the groups gnomAD compares: African/African-American, 0.004%; no homozygotes.

Submissions (2):

GeneDx
Classification: Uncertain significance. Last evaluated: 2026-02-11. Review status: criteria provided, single submitter. Criteria: GeneDx Variant Classification Process June 2021. Collection method: clinical testing. Allele origin: germline.
Comment: Not observed at significant frequency in large population cohorts (gnomAD); In silico analysis suggests that this missense variant does not alter protein structure/function; Has not been previously published as pathogenic or benign to our knowledge

Labcorp Genetics (formerly Invitae), Labcorp
Classification: Uncertain significance. Last evaluated: 2023-12-09. Review status: criteria provided, single submitter. Criteria: Invitae Variant Classification Sherloc (09022015). Collection method: clinical testing. Allele origin: germline.
Comment: This sequence change replaces valine, which is neutral and non-polar, with isoleucine, which is neutral and non-polar, at codon 1477 of the SZT2 protein (p.Val1477Ile). This variant is present in population databases (rs759909750, gnomAD 0.007%). This variant has not been reported in the literature in individuals affected with SZT2-related conditions. ClinVar contains an entry for this variant (Variation ID: 1055003). Advanced modeling of protein sequence and biophysical properties (such as structural, functional, and spatial information, amino acid conservation, physicochemical variation, residue mobility, and thermodynamic stability) performed at Invitae indicates that this missense variant is not expected to disrupt SZT2 protein function with a negative predictive value of 80%. In summary, the available evidence is currently insufficient to determine the role of this variant in disease. Therefore, it has been classified as a Variant of Uncertain Significance.

NM_001365999.1(SZT2):c.4600G>A (p.Val1534Ile)

Gene: SZT2 (SZT2 subunit of KICSTOR complex; plus strand). Cytogenetic location: 1p34.2.
Variant type: single nucleotide variant.
Coding change: c.4600G>A on transcript NM_001365999.1 (MANE Select); coding-DNA position 4600, G replaced by A.
Protein change: p.Val1534Ile; replaces valine 1534 with isoleucine.
Molecular consequence: missense variant.
Genome position (GRCh38, 1-based): chr1:43,430,615, G>A. VCF-style: chr1-43430615-G-A. GRCh37 (hg19) VCF-style: chr1-43896286-G-A.
Other names: c.4429G>A, p.Val1477Ile (NM_015284.4); c.4429G>A (NM_015284.3); short protein forms V1477I, V1534I.
Identifiers: ClinVar variation 1055003 (VCV001055003.9), dbSNP rs759909750, ClinGen allele CA809332.
Genomic context (GRCh38, chr1:43,430,615, plus strand): 5'-CGGGAGAGCCGTGAATCAGACCTGGGGCCTGCTGGGCTAGACTCTGCCTCGCTGTCAGAC[G>A]TAGACACTGTGAATCCTGATGAAGACTCCTTCAGTATCTTGGGGGGCGACTCACCCACTG-3'
Protein context (NP_001352928.1, residues 1524-1544): AGLDSASLSD[Val1534Ile]DTVNPDEDSF